The following is an entry in ClinVar:

ClinVar aggregate classification (germline): Uncertain significance. Review status: criteria provided, multiple submitters, no conflicts (2 of 4 stars). 2 submissions from 2 submitters: Uncertain significance (2). Last evaluated 2024-07-15.

Conditions:
Hereditary pancreatitis (PCTT). Also called: PRSS1-Related Hereditary Pancreatitis; Hereditary chronic pancreatitis. Identifiers: Orphanet 676, MedGen C0238339, MONDO:0008185, OMIM 167800.

Allele frequency attached by ClinVar (database versions not stated): gnomAD 0.00001; ExAC 0.00002; gnomAD exomes 0.00002 and 0.00004; TOPMed 0.00002; 1000 Genomes Project 30x 0.00016; 1000 Genomes Project 0.00020.

Submissions (2):

Labcorp Genetics (formerly Invitae), Labcorp
Classification: Uncertain significance for Hereditary pancreatitis. Last evaluated: 2024-07-15. Review status: criteria provided, single submitter. Criteria: Invitae Variant Classification Sherloc (09022015). Collection method: clinical testing. Allele origin: germline.
Comment: This sequence change replaces alanine, which is neutral and non-polar, with threonine, which is neutral and polar, at codon 257 of the CTRC protein (p.Ala257Thr). This variant is present in population databases (rs200406696, gnomAD 0.007%). This missense change has been observed in individual(s) with tropical calcific pancreatitis (PMID: 22580415). ClinVar contains an entry for this variant (Variation ID: 641418). Advanced modeling of protein sequence and biophysical properties (such as structural, functional, and spatial information, amino acid conservation, physicochemical variation, residue mobility, and thermodynamic stability) performed at Invitae indicates that this missense variant is not expected to disrupt CTRC protein function with a negative predictive value of 80%. Experimental studies have shown that this missense change does not substantially affect CTRC function (PMID: 22942235). In summary, the available evidence is currently insufficient to determine the role of this variant in disease. Therefore, it has been classified as a Variant of Uncertain Significance.

Ambry Genetics
Classification: Uncertain significance for Hereditary pancreatitis. Last evaluated: 2024-05-07. Review status: criteria provided, single submitter. Criteria: Ambry Variant Classification Scheme 2023. Collection method: clinical testing. Allele origin: germline.
Comment: The p.A257T variant (also known as c.769G>A), located in coding exon 7 of the CTRC gene, results from a G to A substitution at nucleotide position 769. The alanine at codon 257 is replaced by threonine, an amino acid with similar properties. This alteration was identified in an individual diagnosed with tropical calcific pancreatitis (Paliwal S et al. Gut, 2013 Nov;62:1602-6). This amino acid position is well conserved in available vertebrate species. In addition, this alteration is predicted to be tolerated by in silico analysis. Based on the available evidence, the clinical significance of this variant remains unclear.

Literature cited by the submitters: PubMed 22580415 (cited by Labcorp Genetics (formerly Invitae), Labcorp and Ambry Genetics); PubMed 22942235 (cited by Labcorp Genetics (formerly Invitae), Labcorp).

NM_007272.3(CTRC):c.769G>A (p.Ala257Thr)

Gene: CTRC (chymotrypsin C; plus strand). Cytogenetic location: 1p36.21.
Variant type: single nucleotide variant.
Coding change: c.769G>A on transcript NM_007272.3 (MANE Select); coding-DNA position 769, G replaced by A.
Protein change: p.Ala257Thr; replaces alanine 257 with threonine.
Molecular consequence: missense variant.
Genome position (GRCh38, 1-based): chr1:15,445,726, G>A. VCF-style: chr1-15445726-G-A. GRCh37 (hg19) VCF-style: chr1-15772221-G-A.
Other names: short protein forms A257T.
Identifiers: ClinVar variation 641418 (VCV000641418.13), dbSNP rs200406696, ClinGen allele CA613468.